The following is an entry in ClinVar:

NM_032043.3(BRIP1):c.1133G>T (p.Arg378Met)

Gene: BRIP1 (BRCA1 interacting DNA helicase 1; minus strand). Cytogenetic location: 17q23.2.
Variant type: single nucleotide variant.
Coding change: c.1133G>T on transcript NM_032043.3 (MANE Select); coding-DNA position 1133, G replaced by T.
Protein change: p.Arg378Met; replaces arginine 378 with methionine.
Molecular consequence: missense variant.
Genome position (GRCh38, 1-based): chr17:61,801,260, C>A on the plus strand (G>T on the coding strand, the complement: BRIP1 is on the minus strand). VCF-style: chr17-61801260-C-A. GRCh37 (hg19) VCF-style: chr17-59878621-C-A.
Other names: short protein forms R378M.
Identifiers: ClinVar variation 925714 (VCV000925714.6), dbSNP rs1555607637, ClinGen allele CA400483867.

ClinVar aggregate classification (germline): Uncertain significance. Review status: criteria provided, multiple submitters, no conflicts (2 of 4 stars). 2 submissions from 2 submitters: Uncertain significance (2). Last evaluated 2024-03-06.

Conditions:
Hereditary cancer-predisposing syndrome. Also called: Neoplastic Syndromes, Hereditary; Tumor predisposition; Hereditary Cancer Syndrome; Hereditary neoplastic syndrome. Identifiers: Orphanet 140162, MedGen C0027672, MeSH D009386, MONDO:0015356.

Submissions (2):

Color Diagnostics, LLC DBA Color Health
Classification: Uncertain significance for Hereditary cancer-predisposing syndrome. Last evaluated: 2024-03-06. Review status: criteria provided, single submitter. Criteria: ACMG Guidelines, 2015. Collection method: clinical testing. Allele origin: germline.
Comment: This missense variant replaces arginine with methionine at codon 378 of the BRIP1 protein. Computational prediction suggests that this variant may have deleterious impact on protein structure and function (internally defined REVEL score threshold >= 0.7, PMID: 27666373). Splice site prediction tools suggest that this variant may not impact RNA splicing. To our knowledge, functional studies have not been performed for this variant. This variant has not been reported in individuals affected with hereditary cancer in the literature. This variant has not been identified in the general population by the Genome Aggregation Database (gnomAD). The available evidence is insufficient to determine the role of this variant in disease conclusively. Therefore, this variant is classified as a Variant of Uncertain Significance.

Ambry Genetics
Classification: Uncertain significance for Hereditary cancer-predisposing syndrome. Last evaluated: 2022-02-13. Review status: criteria provided, single submitter. Criteria: Ambry Variant Classification Scheme 2023. Collection method: clinical testing. Allele origin: germline.
Comment: The p.R378M variant (also known as c.1133G>T), located in coding exon 7 of the BRIP1 gene, results from a G to T substitution at nucleotide position 1133. The arginine at codon 378 is replaced by methionine, an amino acid with similar properties. This amino acid position is conserved. In addition, this alteration is predicted to be deleterious by in silico analysis. Since supporting evidence is limited at this time, the clinical significance of this alteration remains unclear.